The following is an entry in ClinVar:

ClinVar aggregate classification (germline): Uncertain significance (1 of 4 stars; one submission).

Conditions:
Lipoic acid synthetase deficiency. Also called: HYPERGLYCINEMIA, LACTIC ACIDOSIS, AND SEIZURES. Identifiers: Orphanet 401859, MedGen C3280887, MONDO:0013762, OMIM 614462.

Submission:

Labcorp Genetics (formerly Invitae), Labcorp
Classification: Uncertain significance for Lipoic acid synthetase deficiency. Last evaluated: 2019-07-11. Review status: criteria provided, single submitter. Criteria: Invitae Variant Classification Sherloc (09022015). Collection method: clinical testing. Allele origin: germline.
Comment: In summary, the available evidence is currently insufficient to determine the role of this variant in disease. Therefore, it has been classified as a Variant of Uncertain Significance. Algorithms developed to predict the effect of missense changes on protein structure and function (SIFT, PolyPhen-2, Align-GVGD) all suggest that this variant is likely to be tolerated, but these predictions have not been confirmed by published functional studies and their clinical significance is uncertain. This variant has not been reported in the literature in individuals with LIAS-related disease. This variant is not present in population databases (ExAC no frequency). This sequence change replaces threonine with alanine at codon 82 of the LIAS protein (p.Thr82Ala). The threonine residue is highly conserved and there is a small physicochemical difference between threonine and alanine.

NM_006859.4(LIAS):c.244A>G (p.Thr82Ala)

Gene: LIAS (lipoic acid synthetase; plus strand). Cytogenetic location: 4p14.
Variant type: single nucleotide variant.
Coding change: c.244A>G on transcript NM_006859.4 (MANE Select); coding-DNA position 244, A replaced by G.
Protein change: p.Thr82Ala; replaces threonine 82 with alanine.
Molecular consequence: missense variant. On other transcripts: intron variant (2).
Genome position (GRCh38, 1-based): chr4:39,462,221, A>G. VCF-style: chr4-39462221-A-G. GRCh37 (hg19) VCF-style: chr4-39463841-A-G.
Other names: c.244A>G, p.Thr82Ala (NM_001278590.2, NM_001278591.2, NM_194451.3); c.218+1259A>G (NM_001363700.2, NM_001278592.2); short protein forms T82A.
Identifiers: ClinVar variation 575846 (VCV000575846.10), dbSNP rs1560666276, ClinGen allele CA356663984.